The following is an entry in ClinVar:

NM_013432.5(TONSL):c.16G>A (p.Glu6Lys)

Genes: TONSL (tonsoku like, DNA repair protein; minus strand), LOC130001399 (ATAC-STARR-seq lymphoblastoid silent region 19685; plus strand). Cytogenetic location: 8q24.3.
Variant type: single nucleotide variant.
Coding change: c.16G>A on transcript NM_013432.5 (MANE Select); coding-DNA position 16, G replaced by A.
Protein change: p.Glu6Lys; replaces glutamic acid 6 with lysine.
Molecular consequence: missense variant.
Genome position (GRCh38, 1-based): chr8:144,444,399, C>T on the plus strand (G>A on the coding strand, the complement: TONSL is on the minus strand). VCF-style: chr8-144444399-C-T. GRCh37 (hg19) VCF-style: chr8-145669782-C-T.
Other names: short protein forms E6K.
Identifiers: ClinVar variation 2121581 (VCV002121581.4), dbSNP rs2537512270, ClinGen allele CA372680177.

ClinVar aggregate classification (germline): Uncertain significance (1 of 4 stars; one submission).

gnomAD v4.1: 1 of 1,271,072 alleles (0.000079%); highest among the groups gnomAD compares: Non-Finnish European, 0.000099%; no homozygotes.

Submission:

Labcorp Genetics (formerly Invitae), Labcorp
Classification: Uncertain significance. Last evaluated: 2023-12-07. Review status: criteria provided, single submitter. Criteria: Invitae Variant Classification Sherloc (09022015). Collection method: clinical testing. Allele origin: germline.
Comment: This sequence change replaces glutamic acid, which is acidic and polar, with lysine, which is basic and polar, at codon 6 of the TONSL protein (p.Glu6Lys). This variant is not present in population databases (gnomAD no frequency). This variant has not been reported in the literature in individuals affected with TONSL-related conditions. ClinVar contains an entry for this variant (Variation ID: 2121581). An algorithm developed to predict the effect of missense changes on protein structure and function (PolyPhen-2) suggests that this variant is likely to be disruptive. In summary, the available evidence is currently insufficient to determine the role of this variant in disease. Therefore, it has been classified as a Variant of Uncertain Significance.